The following is an entry in ClinVar:

ClinVar aggregate classification (germline): Uncertain significance (1 of 4 stars; one submission).

Submission:

Labcorp Genetics (formerly Invitae), Labcorp
Classification: Uncertain significance. Last evaluated: 2024-04-15. Review status: criteria provided, single submitter. Criteria: Invitae Variant Classification Sherloc (09022015). Collection method: clinical testing. Allele origin: germline.
Comment: This sequence change creates a premature translational stop signal (p.Tyr250Serfs*35) in the KLB gene. It is expected to result in an absent or disrupted protein product. However, the current clinical and genetic evidence is not sufficient to establish whether loss-of-function variants in KLB cause disease. This variant is not present in population databases (gnomAD no frequency). This variant has not been reported in the literature in individuals affected with KLB-related conditions. In summary, the available evidence is currently insufficient to determine the role of this variant in disease. Therefore, it has been classified as a Variant of Uncertain Significance.

NM_175737.4(KLB):c.748_749insCCAT (p.Tyr250fs)

Gene: KLB (klotho beta; plus strand). Cytogenetic location: 4p14.
Variant type: Insertion.
Coding change: c.748_749insCCAT on transcript NM_175737.4 (MANE Select); coding-DNA positions 748 to 749, CCAT inserted.
Protein change: p.Tyr250fs; shifts the reading frame from tyrosine 250.
Molecular consequence: frameshift variant.
Genome position: GRCh38 VCF-style: chr4-39407696-G-GTCCA. GRCh37 (hg19) VCF-style: chr4-39409316-G-GTCCA.
Other names: short protein forms Y250fs.
Identifiers: ClinVar variation 2868548 (VCV002868548.3), dbSNP rs2475747658, ClinGen allele CA2578069517.
Genomic context (GRCh38, chr4:39,407,696, plus strand): 5'-TGGGGACCGTGTCAAATATTGGATTACAATTCACAACCCATATCTAGTGGCTTGGCATGG[G>GTCCA]TATGGGACAGGTATGCATGCCCCTGGAGAGAAGGGAAATTTAGCAGCTGTCTACACTGTG-3'